The following is an entry in ClinVar:

ClinVar aggregate classification (germline): Pathogenic (1 of 4 stars; one submission).

Conditions:
Citrullinemia. Identifiers: Orphanet 187, MedGen C0175683, MONDO:0015991.

Submission:

Labcorp Genetics (formerly Invitae), Labcorp
Classification: Pathogenic for Citrullinemia. Last evaluated: 2024-01-08. Review status: criteria provided, single submitter. Criteria: Invitae Variant Classification Sherloc (09022015). Collection method: clinical testing. Allele origin: unknown.
Comment: This variant is a gross deletion of the genomic region encompassing exon(s) 8-16 of the ASS1 gene, which includes the termination codon. This deletion extends beyond the assayed region for this gene and therefore may encompass additional genes. While this deletion is not anticipated to lead to nonsense mediated decay, it is expected to alter mRNA translation or result in a truncated protein product. This variant has not been reported in the literature in individuals affected with ASS1-related conditions. This variant disrupts a region of the ASS1 protein in which other variant(s) (p.Gly390Arg) have been determined to be pathogenic (PMID: 8792870, 11708871, 18473344, 19358837, 23430935). This suggests that this is a clinically significant region of the protein, and that variants that disrupt it are likely to be disease-causing. For these reasons, this variant has been classified as Pathogenic.

Literature cited by the submitters: PubMed 8792870; PubMed 11708871; PubMed 18473344; PubMed 19358837; PubMed 23430935.

NC_000009.11:g.(?_133346201)_(133376408_?)del

Gene: ASS1 (argininosuccinate synthase 1; plus strand). Cytogenetic location: 9q34.11.
Variant type: Deletion.
Identifiers: ClinVar variation 3245095 (VCV003245095.1).